The following is an entry in ClinVar:

ClinVar aggregate classification (germline): Benign. Review status: criteria provided, multiple submitters, no conflicts (2 of 4 stars). 3 submissions from 3 submitters: Benign (2). 1 of the submissions does not count toward it. Last evaluated 2025-02-06.

Conditions:
Nephronophthisis. Also called: Juvenile Nephronophthisis. Identifiers: Orphanet 655, MedGen C0687120, MONDO:0019005, HP:0000090.
NPHP4-related disorder. Also called: NPHP4-related disorders; NPHP4-related condition. Identifiers: MedGen CN239384.

Allele frequency attached by ClinVar (database versions not stated): TOPMed 0.00001; gnomAD 0.00002; gnomAD exomes 0.00011 and 0.00022; ExAC 0.00042.
gnomAD v4.1: 150 of 1,605,504 alleles (0.0093%); highest among the groups gnomAD compares: South Asian, 0.17%; 3 homozygotes.

Submissions (3):

Labcorp Genetics (formerly Invitae), Labcorp
Classification: Benign for Nephronophthisis. Last evaluated: 2025-02-06. Review status: criteria provided, single submitter. Criteria: Invitae Variant Classification Sherloc (09022015). Collection method: clinical testing. Allele origin: germline.

Blueprint Genetics
Classification: Benign. Last evaluated: 2024-08-27. Review status: criteria provided, single submitter. Criteria: ACMG Guidelines, 2015. Collection method: clinical testing. Allele origin: germline.

PreventionGenetics, part of Exact Sciences
Classification: Likely benign for NPHP4-related condition. Last evaluated: 2024-09-16. Review status: no assertion criteria provided. Collection method: clinical testing. Allele origin: germline. Not counted in ClinVar's aggregate classification.
Comment: This variant is classified as likely benign based on ACMG/AMP sequence variant interpretation guidelines (Richards et al. 2015 PMID: 25741868, with internal and published modifications).

NM_015102.5(NPHP4):c.3145C>T (p.Pro1049Ser)

Gene: NPHP4 (nephrocystin 4; minus strand). Cytogenetic location: 1p36.31.
Variant type: single nucleotide variant.
Coding change: c.3145C>T on transcript NM_015102.5 (MANE Select); coding-DNA position 3145, C replaced by T.
Protein change: p.Pro1049Ser; replaces proline 1049 with serine.
Molecular consequence: missense variant. On other transcripts: non-coding transcript variant (1).
Genome position (GRCh38, 1-based): chr1:5,874,557, G>A on the plus strand (C>T on the coding strand, the complement: NPHP4 is on the minus strand). VCF-style: chr1-5874557-G-A. GRCh37 (hg19) VCF-style: chr1-5934617-G-A.
Other names: c.1606C>T, p.Pro536Ser (NM_001291593.2); c.1609C>T, p.Pro537Ser (NM_001291594.2); c.3145C>T (NM_015102.4); short protein forms P1049S, P536S, P537S.
Identifiers: ClinVar variation 1599216 (VCV001599216.10), dbSNP rs759609852, ClinGen allele CA553779.